The following is an entry in ClinVar:

ClinVar aggregate classification (germline): Uncertain significance. Review status: criteria provided, multiple submitters, no conflicts (2 of 4 stars). 3 submissions from 3 submitters: Uncertain significance (3). Last evaluated 2025-10-12.

Conditions:
Cardiovascular phenotype. Identifiers: MedGen CN230736.
DK1-congenital disorder of glycosylation. Also called: CDG Im; DK1-CDG; DOLK-congenital disorder of glycosylation; Carbohydrate deficient glycoprotein syndrome type 1m; DK1 DEFICIENCY; DOLICHOL KINASE DEFICIENCY. Identifiers: Orphanet 91131, MedGen C1835849, MONDO:0012556, OMIM 610768.

Allele frequency attached by ClinVar (database versions not stated): gnomAD 0.00001; gnomAD exomes 0.00002 and 0.00005; TOPMed 0.00003; ExAC 0.00004.

Submissions (3):

Ambry Genetics
Classification: Uncertain significance for Cardiovascular phenotype. Last evaluated: 2025-10-12. Review status: criteria provided, single submitter. Criteria: Ambry Variant Classification Scheme 2023. Collection method: clinical testing. Allele origin: germline.
Comment: The p.R134H variant (also known as c.401G>A), located in coding exon 1 of the DOLK gene, results from a G to A substitution at nucleotide position 401. The arginine at codon 134 is replaced by histidine, an amino acid with highly similar properties. This amino acid position is conserved. In addition, the in silico prediction for this alteration is inconclusive. Since supporting evidence is limited at this time, the clinical significance of this alteration remains unclear.

GeneDx
Classification: Uncertain significance. Last evaluated: 2024-07-02. Review status: criteria provided, single submitter. Criteria: GeneDx Variant Classification Process June 2021. Collection method: clinical testing. Allele origin: germline. Affected: yes.
Comment: In silico analysis indicates that this missense variant does not alter protein structure/function; Has not been previously published as pathogenic or benign to our knowledge

Labcorp Genetics (formerly Invitae), Labcorp
Classification: Uncertain significance for DK1-congenital disorder of glycosylation. Last evaluated: 2022-09-01. Review status: criteria provided, single submitter. Criteria: Invitae Variant Classification Sherloc (09022015). Collection method: clinical testing. Allele origin: germline.
Comment: This sequence change replaces arginine, which is basic and polar, with histidine, which is basic and polar, at codon 134 of the DOLK protein (p.Arg134His). This variant is present in population databases (rs768596252, gnomAD 0.03%). This variant has not been reported in the literature in individuals affected with DOLK-related conditions. ClinVar contains an entry for this variant (Variation ID: 662518). Algorithms developed to predict the effect of missense changes on protein structure and function are either unavailable or do not agree on the potential impact of this missense change (SIFT: "Deleterious"; PolyPhen-2: "Probably Damaging"; Align-GVGD: "Class C0"). In summary, the available evidence is currently insufficient to determine the role of this variant in disease. Therefore, it has been classified as a Variant of Uncertain Significance.

NM_014908.4(DOLK):c.401G>A (p.Arg134His)

Gene: DOLK (dolichol kinase; minus strand). Cytogenetic location: 9q34.11.
Variant type: single nucleotide variant.
Coding change: c.401G>A on transcript NM_014908.4 (MANE Select); coding-DNA position 401, G replaced by A.
Protein change: p.Arg134His; replaces arginine 134 with histidine.
Molecular consequence: missense variant.
Genome position (GRCh38, 1-based): chr9:128,946,903, C>T on the plus strand (G>A on the coding strand, the complement: DOLK is on the minus strand). VCF-style: chr9-128946903-C-T. GRCh37 (hg19) VCF-style: chr9-131709182-C-T.
Other names: short protein forms R134H.
Identifiers: ClinVar variation 662518 (VCV000662518.11), dbSNP rs768596252, ClinGen allele CA5271750.
Genomic context (GRCh38, chr9:128,946,903, plus strand): 5'-ATATAAATGATAACACCTCCAGCCAAGCCCAAGATGACACAAGTGTTGGTTGGCACTGGG[C>T]GAGTGATGCCGAGCGCCAACACTGATGAGAAGAGGGCCACTGCCATGCCAGTGGCTGCCA-3'
Protein context (NP_055723.1, residues 124-144): FSSVLALGIT[Arg134His]PVPTNTCVIL